The following is an entry in ClinVar:

NM_182760.4(SUMF1):c.176del (p.Gly59fs)

Genes: SUMF1 (sulfatase modifying factor 1; minus strand), LOC129936056 (ATAC-STARR-seq lymphoblastoid silent region 14016; plus strand). Cytogenetic location: 3p26.1.
Variant type: Deletion.
Coding change: c.176del on transcript NM_182760.4 (MANE Select); coding-DNA position 176, one base deleted (G; older notation c.176delG).
Protein change: p.Gly59fs; shifts the reading frame from glycine 59.
Molecular consequence: frameshift variant.
Genome position (GRCh38, 1-based): chr3:4,467,070, C deleted on the plus strand (G on the coding strand, the reverse complement: SUMF1 is on the minus strand); the first of 2 consecutive C bases (chr3:4,467,070-4,467,071); deleting either gives the same sequence. VCF-style (leftmost placement, unchanged base first): chr3-4467069-GC-G. GRCh37 (hg19) VCF-style: chr3-4508753-GC-G.
Other names: c.176del, p.Gly59fs (NM_001164674.2, NM_001164675.2); short protein forms G59fs.
Identifiers: ClinVar variation 5015465 (VCV005015465.1).
Genomic context (GRCh38, chr3:4,467,069, plus strand): 5'-GGGGCCCGGAGCGTTAGCCTCCCGCGAGTATCGGTGAGCGGCTGCCGAACTGCCATGGGC[GC>G]CAGGCCGCTGGGGCGTGCCGCAGCCGCAAGAACCCGCAAGGGACCCCGCGCCCGCACCGG-3'

ClinVar aggregate classification (germline): Pathogenic (1 of 4 stars; one submission).

Conditions:
Multiple sulfatase deficiency (MSD). Also called: Mucosulfatidosis; Multiple Sulfatase Deficiency Disease; Sulfatidosis, Juvenile, Austin Type. Identifiers: Orphanet 585, MedGen C0268263, MONDO:0010088, OMIM 272200.

Submission:

Myriad Genetics, Inc.
Classification: Pathogenic for Multiple sulfatase deficiency. Last evaluated: 2026-01-22. Review status: criteria provided, single submitter. Criteria: Myriad Autosomal Dominant, Autosomal Recessive and X-Linked Classification Criteria (2023). Collection method: clinical testing. Allele origin: unknown.
Comment: NM_182760.3(SUMF1):c.176delG(G59Afs*50) is expected to be pathogenic in the context of multiple sulfatase deficiency. This variant is predicted to lead to an abnormal or absent protein product due to the creation of a premature termination codon in SUMF1, a gene where loss-of-function variants are known to be pathogenic. Please note: this variant was assessed in the context of healthy population screening.